The following is an entry in ClinVar:

ClinVar aggregate classification (germline): Uncertain significance. Review status: criteria provided, multiple submitters, no conflicts (2 of 4 stars). 2 submissions from 2 submitters: Uncertain significance (2). Last evaluated 2024-01-15.

Allele frequency attached by ClinVar (database versions not stated): gnomAD exomes 0.00001 and 0.00002; ExAC 0.00004; gnomAD 0.00006; TOPMed 0.00013; 1000 Genomes Project 30x 0.00016; 1000 Genomes Project 0.00020.
gnomAD v4.1: 22 of 1,590,140 alleles (0.0014%); highest among the groups gnomAD compares: Admixed American, 0.012%; no homozygotes.

Submissions (2):

Labcorp Genetics (formerly Invitae), Labcorp
Classification: Uncertain significance. Last evaluated: 2024-01-15. Review status: criteria provided, single submitter. Criteria: Invitae Variant Classification Sherloc (09022015). Collection method: clinical testing. Allele origin: germline.
Comment: This sequence change replaces arginine, which is basic and polar, with tryptophan, which is neutral and slightly polar, at codon 1212 of the RUSC2 protein (p.Arg1212Trp). This variant is present in population databases (rs562721391, gnomAD 0.01%). This variant has not been reported in the literature in individuals affected with RUSC2-related conditions. ClinVar contains an entry for this variant (Variation ID: 1472538). An algorithm developed to predict the effect of missense changes on protein structure and function (PolyPhen-2) suggests that this variant is likely to be disruptive. In summary, the available evidence is currently insufficient to determine the role of this variant in disease. Therefore, it has been classified as a Variant of Uncertain Significance.

Ambry Genetics
Classification: Uncertain significance. Last evaluated: 2023-11-17. Review status: criteria provided, single submitter. Criteria: Ambry Variant Classification Scheme 2023. Collection method: clinical testing. Allele origin: germline.

NM_014806.5(RUSC2):c.3634C>T (p.Arg1212Trp)

Gene: RUSC2 (RUN and SH3 domain containing 2; plus strand). Cytogenetic location: 9p13.3.
Variant type: single nucleotide variant.
Coding change: c.3634C>T on transcript NM_014806.5 (MANE Select); coding-DNA position 3634, C replaced by T.
Protein change: p.Arg1212Trp; replaces arginine 1212 with tryptophan.
Molecular consequence: missense variant. On other transcripts: non-coding transcript variant (1).
Genome position (GRCh38, 1-based): chr9:35,560,274, C>T. VCF-style: chr9-35560274-C-T. GRCh37 (hg19) VCF-style: chr9-35560271-C-T.
Other names: c.3634C>T, p.Arg1212Trp (NM_001135999.2); c.1000C>T, p.Arg334Trp (NM_001330740.2); c.3634C>T (NM_001135999.1); short protein forms R1212W, R334W.
Identifiers: ClinVar variation 1472538 (VCV001472538.7), dbSNP rs562721391, ClinGen allele CA5044208.